The following is an entry in ClinVar:

ClinVar aggregate classification (germline): Conflicting classifications of pathogenicity. Review status: criteria provided, conflicting classifications (1 of 4 stars). 6 submissions from 6 submitters: Likely pathogenic (3); Uncertain significance (2). 1 of the submissions does not count toward it. Last evaluated 2025-10-22.

Conditions:
Congenital hyperammonemia, type I. Also called: Carbamoyl phosphate synthetase I deficiency disease; Carbamoyl-phosphate synthase I deficiency; CPS I DEFICIENCY; Carbamoyl phosphate synthetase 1 deficiency; Hyperammonemia due to carbamoyl phosphate synthetase 1 deficiency; CPS 1 deficiency. Identifiers: Orphanet 147, MedGen C4082171, MONDO:0009376, OMIM 237300.
CPS1-related disorder. Also called: CPS1-related condition.

Allele frequency attached by ClinVar (database versions not stated): gnomAD exomes below 0.00001; gnomAD 0.00003.
gnomAD v4.1: 7 of 1,613,888 alleles (0.00043%); highest among the groups gnomAD compares: Middle Eastern, 0.016%; no homozygotes.

Submissions (6):

Myriad Genetics, Inc.
Classification: Uncertain significance for Congenital hyperammonemia, type I. Last evaluated: 2025-10-22. Review status: criteria provided, single submitter. Criteria: Myriad Autosomal Dominant, Autosomal Recessive and X-Linked Classification Criteria (2023). Collection method: clinical testing. Allele origin: unknown.
Comment: NM_001875.4(CPS1):c.3265C>T(R1089C) is a missense variant classified as a variant of uncertain significance in the context of carbamoylphosphate synthetase I deficiency. R1089C has been observed in cases with relevant disease (PMID: 33309754, 21120950). Relevant functional assessments of this variant are not available in the literature. R1089C has not been observed in referenced population frequency databases. In summary, there is insufficient evidence to classify NM_001875.4(CPS1):c.3265C>T(R1089C) as pathogenic or benign. Please note: this variant was assessed in the context of healthy population screening.

Women's Health and Genetics/Laboratory Corporation of America, LabCorp
Classification: Likely pathogenic for Congenital hyperammonemia, type I. Last evaluated: 2025-04-17. Review status: criteria provided, single submitter. Criteria: LabCorp Variant Classification Summary - May 2015. Collection method: clinical testing. Allele origin: germline.
Comment: Variant summary: CPS1 c.3265C>T (p.Arg1089Cys) results in a non-conservative amino acid change in the encoded protein sequence. Five of five in-silico tools predict a damaging effect of the variant on protein function. The variant was absent in 251266 control chromosomes. c.3265C>T has been observed in the presumed homozygous or compound heterozygous state in at least 2 individual(s) affected with clinical features of Carbamoylphosphate Synthetase I Deficiency (example, Makris_2021, Khayat_2009, Haberle_2011). These data indicate that the variant may be associated with disease. To our knowledge, no experimental evidence demonstrating an impact on protein function has been reported. Additionally, a different missense variant at this codon has been reported to be likely pathogenic/pathogenic at Labcorp (c.3266G>T, p.Arg1089Leu), supporting the critical relevance of codon 1089 for CPS1 protein function. The following publications have been ascertained in the context of this evaluation (PMID: 21120950, 33309754, 19309799, 33551825, 31839005, 31507628, 26214590, 20852892, 20800523, 19092443, 15876373, 16737834). ClinVar contains an entry for this variant (Variation ID: 551329). Based on the evidence outlined above, the variant was classified as likely pathogenic.

PreventionGenetics, part of Exact Sciences
Classification: Likely pathogenic for CPS1-related condition. Last evaluated: 2024-10-11. Review status: criteria provided, single submitter. Criteria: ACMG Guidelines, 2015. Collection method: clinical testing. Allele origin: germline.
Comment: The CPS1 c.3265C>T variant is predicted to result in the amino acid substitution p.Arg1089Cys. This variant has been reported in the homozygous state in an individual with carbamoylphosphate synthetase I deficiency (Table S2, Makris et al. 2020. PubMed ID: 33309754), it was also reported in an individual with CPS1-associated disorder without mention of a second variant (Table S1, Häberle et al. 2011. PubMed ID: 21120950). An alternate nucleotide change affecting the same amino acid (p.Arg1089Leu), has been reported in an individual with CPS1-associated disease (Table 2, Summar et al. 1998. PubMed ID: 9686343) and has been reported to impact protein function (Yefimenko et al. 2005. PubMed ID: 15876373). This variant is reported in 0.011% of alleles in individuals of African descent in gnomAD. This variant is interpreted as likely pathogenic.

Labcorp Genetics (formerly Invitae), Labcorp
Classification: Likely pathogenic for Congenital hyperammonemia, type I. Last evaluated: 2023-04-06. Review status: criteria provided, single submitter. Criteria: Invitae Variant Classification Sherloc (09022015). Collection method: clinical testing. Allele origin: germline.
Comment: In summary, the currently available evidence indicates that the variant is pathogenic, but additional data are needed to prove that conclusively. Therefore, this variant has been classified as Likely Pathogenic. This variant disrupts the p.Arg1089 amino acid residue in CPS1. Other variant(s) that disrupt this residue have been determined to be pathogenic (PMID: 15876373, 16737834). This suggests that this residue is clinically significant, and that variants that disrupt this residue are likely to be disease-causing. Advanced modeling of protein sequence and biophysical properties (such as structural, functional, and spatial information, amino acid conservation, physicochemical variation, residue mobility, and thermodynamic stability) performed at Invitae indicates that this missense variant is expected to disrupt CPS1 protein function. ClinVar contains an entry for this variant (Variation ID: 551329). This missense change has been observed in individual(s) with CPS1-related conditions (PMID: 21120950, 33309754). This variant is present in population databases (no rsID available, gnomAD 0.01%). This sequence change replaces arginine, which is basic and polar, with cysteine, which is neutral and slightly polar, at codon 1089 of the CPS1 protein (p.Arg1089Cys).

GeneDx
Classification: Uncertain significance. Last evaluated: 2020-01-29. Review status: criteria provided, single submitter. Criteria: GeneDx Variant Classification Process June 2021. Collection method: clinical testing. Allele origin: germline. Affected: yes.
Comment: Not observed at a significant frequency in large population cohorts (Lek et al., 2016); In silico analysis, which includes protein predictors and evolutionary conservation, supports a deleterious effect; Identified in two individuals from a cohort of patients with CPS1 deficiency, however specific clinical information on patients was not provided, nor was the presence of a second variant in CPS1 discussed (Haberle et al., 2011); This variant is associated with the following publications: (PMID: 20800523, 21120950, 19092443, 19309799)

Counsyl
Classification: Uncertain significance for Congenital hyperammonemia, type I. Last evaluated: 2017-04-04. Review status: no assertion criteria provided. Collection method: clinical testing. Allele origin: unknown. Not counted in ClinVar's aggregate classification.

Literature cited by the submitters: PubMed 21120950 (cited by 4 submitters); PubMed 33309754 (cited by 3 submitters); PubMed 19309799 (cited by Women's Health and Genetics/Laboratory Corporation of America, LabCorp and Counsyl); PubMed 15876373 (cited by Labcorp Genetics (formerly Invitae), Labcorp); PubMed 16737834 (cited by Labcorp Genetics (formerly Invitae), Labcorp).

NM_001875.5(CPS1):c.3265C>T (p.Arg1089Cys)

Gene: CPS1 (carbamoyl-phosphate synthase 1; plus strand). Cytogenetic location: 2q34.
Variant type: single nucleotide variant.
Coding change: c.3265C>T on transcript NM_001875.5 (MANE Select); coding-DNA position 3265, C replaced by T.
Protein change: p.Arg1089Cys; replaces arginine 1089 with cysteine.
Molecular consequence: missense variant. On other transcripts: non-coding transcript variant (2).
Genome position (GRCh38, 1-based): chr2:210,647,986, C>T. VCF-style: chr2-210647986-C-T. GRCh37 (hg19) VCF-style: chr2-211512710-C-T.
Other names: c.3265C>T, p.Arg1089Cys (NM_001122633.3, NM_001369257.1); c.3298C>T, p.Arg1100Cys (NM_001369256.1); c.3265C>T (LRG_336t1); short protein forms R1089C, R1100C.
Identifiers: ClinVar variation 551329 (VCV000551329.9), dbSNP rs1392559810, ClinGen allele CA350436193.